The following is an entry in ClinVar:

ClinVar aggregate classification (germline): Likely benign (1 of 4 stars; one submission).

gnomAD v4.1: 628 of 1,612,768 alleles (0.039%); highest among the groups gnomAD compares: East Asian, 1.3%; 5 homozygotes.

Submission:

CeGaT Center for Human Genetics Tuebingen
Classification: Likely benign. Last evaluated: 2025-10-01. Review status: criteria provided, single submitter. Criteria: CeGaT Center For Human Genetics Tuebingen Variant Classification Criteria Version 2. Collection method: clinical testing. Allele origin: germline. Affected: yes. Observed: 1 variant allele.
Comment: NUP214: BP4, BP7, BS1

NM_005085.4(NUP214):c.2149T>C (p.Leu717=)

Gene: NUP214 (nucleoporin 214; plus strand). Cytogenetic location: 9q34.13.
Variant type: single nucleotide variant.
Coding change: c.2149T>C on transcript NM_005085.4 (MANE Select); coding-DNA position 2149, T replaced by C.
Protein change: p.Leu717=; no amino-acid change (leucine 717 retained).
Molecular consequence: synonymous variant.
Genome position (GRCh38, 1-based): chr9:131,150,637, T>C. VCF-style: chr9-131150637-T-C. GRCh37 (hg19) VCF-style: chr9-134026024-T-C.
Other names: c.2119T>C, p.Leu707= (NM_001318324.2).
Identifiers: ClinVar variation 4534150 (VCV004534150.6).